The following is an entry in ClinVar:

ClinVar aggregate classification (germline): Uncertain significance. Review status: criteria provided, multiple submitters, no conflicts (2 of 4 stars). 2 submissions from 2 submitters: Uncertain significance (2). Last evaluated 2024-11-11.

Allele frequency attached by ClinVar (database versions not stated): gnomAD 0.00005; TOPMed 0.00006; ESP Exome Variant Server 0.00008; gnomAD exomes 0.00008; ExAC 0.00009.
gnomAD v4.1: 119 of 1,613,634 alleles (0.0074%); highest among the groups gnomAD compares: Non-Finnish European, 0.009%; no homozygotes.

Submissions (2):

Labcorp Genetics (formerly Invitae), Labcorp
Classification: Uncertain significance. Last evaluated: 2024-11-11. Review status: criteria provided, single submitter. Criteria: Invitae Variant Classification Sherloc (09022015). Collection method: clinical testing. Allele origin: germline.
Comment: This sequence change replaces arginine, which is basic and polar, with glutamine, which is neutral and polar, at codon 628 of the ADGRB2 protein (p.Arg628Gln). This variant is present in population databases (rs201601920, gnomAD 0.01%). This variant has not been reported in the literature in individuals affected with ADGRB2-related conditions. ClinVar contains an entry for this variant (Variation ID: 2286426). Experimental studies and prediction algorithms are not available or were not evaluated, and the functional significance of this variant is currently unknown. In summary, the available evidence is currently insufficient to determine the role of this variant in disease. Therefore, it has been classified as a Variant of Uncertain Significance.

Ambry Genetics
Classification: Uncertain significance. Last evaluated: 2022-04-27. Review status: criteria provided, single submitter. Criteria: Ambry Variant Classification Scheme 2023. Collection method: clinical testing. Allele origin: germline.

NM_001364857.2(ADGRB2):c.1883G>A (p.Arg628Gln)

Gene: ADGRB2 (adhesion G protein-coupled receptor B2; minus strand). Cytogenetic location: 1p35.2.
Variant type: single nucleotide variant.
Coding change: c.1883G>A on transcript NM_001364857.2 (MANE Select); coding-DNA position 1883, G replaced by A.
Protein change: p.Arg628Gln; replaces arginine 628 with glutamine.
Molecular consequence: missense variant.
Genome position (GRCh38, 1-based): chr1:31,740,453, C>T on the plus strand (G>A on the coding strand, the complement: ADGRB2 is on the minus strand). VCF-style: chr1-31740453-C-T. GRCh37 (hg19) VCF-style: chr1-32206054-C-T.
Other names: c.1883G>A, p.Arg628Gln (NM_001294335.2, NM_001294336.2, NM_001703.2); short protein forms R628Q.
Identifiers: ClinVar variation 2286426 (VCV002286426.4), dbSNP rs201601920, ClinGen allele CA735801.